The following is an entry in ClinVar:

NM_001008537.3(NEXMIF):c.3026T>G (p.Leu1009Ter)

Gene: NEXMIF (neurite extension and migration factor; minus strand). Cytogenetic location: Xq13.3.
Variant type: single nucleotide variant.
Coding change: c.3026T>G on transcript NM_001008537.3 (MANE Select); coding-DNA position 3026, T replaced by G.
Protein change: p.Leu1009Ter; replaces leucine 1009 with a stop codon.
Molecular consequence: nonsense.
Genome position (GRCh38, 1-based): chrX:74,741,531, A>C on the plus strand (T>G on the coding strand, the complement: NEXMIF is on the minus strand). VCF-style: chrX-74741531-A-C. GRCh37 (hg19) VCF-style: chrX-73961366-A-C.
Other names: short protein forms L1009*.
Identifiers: ClinVar variation 1429901 (VCV001429901.6), dbSNP rs2147439776, ClinGen allele CA413666888.

ClinVar aggregate classification (germline): Pathogenic (1 of 4 stars; one submission).

Submission:

Labcorp Genetics (formerly Invitae), Labcorp
Classification: Pathogenic. Last evaluated: 2021-05-05. Review status: criteria provided, single submitter. Criteria: Invitae Variant Classification Sherloc (09022015). Collection method: clinical testing. Allele origin: germline.
Comment: For these reasons, this variant has been classified as Pathogenic. This variant has not been reported in the literature in individuals with NEXMIF-related conditions. This variant is not present in population databases (ExAC no frequency). This sequence change creates a premature translational stop signal (p.Leu1009*) in the NEXMIF gene. It is expected to result in an absent or disrupted protein product. Loss-of-function variants in NEXMIF are known to be pathogenic (PMID: 23615299).

Literature cited by the submitters: PubMed 23615299.